The following is an entry in ClinVar:

NM_130837.3(OPA1):c.2095del (p.Thr698_Met699insTer)

Gene: OPA1 (OPA1 mitochondrial dynamin like GTPase; plus strand). Cytogenetic location: 3q29.
Variant type: Deletion.
Coding change: c.2095del on transcript NM_130837.3 (MANE Select); coding-DNA position 2095, one base deleted (A; older notation c.2095delA).
Protein change: p.Thr698_Met699insTer.
Molecular consequence: nonsense.
Genome position (GRCh38, 1-based): chr3:193,654,944, A deleted. VCF-style (leftmost placement, unchanged base first): chr3-193654943-CA-C. GRCh37 (hg19) VCF-style: chr3-193372732-CA-C.
Other names: c.1561del, p.Thr520_Met521insTer (NM_001354663.2); c.1558del, p.Thr519_Met520insTer (NM_001354664.2); c.1930del, p.Thr643_Met644insTer (NM_015560.3); c.1822del, p.Thr607_Met608insTer (NM_130831.3); c.1876del, p.Thr625_Met626insTer (NM_130832.3); c.1933del, p.Thr644_Met645insTer (NM_130833.3); c.1984del, p.Thr661_Met662insTer (NM_130834.3); c.1987del, p.Thr662_Met663insTer (NM_130835.3); and 1 more.
Identifiers: ClinVar variation 4857202 (VCV004857202.1).
Genomic context (GRCh38, chr3:193,654,943, plus strand): 5'-TTTGTGGGAAAGAGTATCAACTCATGTGATTGAAAACATCTACCTTCCAGCTGCGCAGAC[CA>C]TGAATTCAGGAACTTTTAACACCACAGTGGATATCAAGCTTAAACAGTGGACTGATAAAC-3'

ClinVar aggregate classification (germline): Pathogenic (1 of 4 stars; one submission).

Conditions:
Optic atrophy with or without deafness, ophthalmoplegia, myopathy, ataxia, and neuropathy. Also called: OPTIC ATROPHY PLUS SYNDROME. Identifiers: MedGen C3276549, MONDO:0007429, OMIM 125250.

Submission:

Genos
Classification: Pathogenic for Optic atrophy with or without deafness, ophthalmoplegia, myopathy, ataxia, and neuropathy. Last evaluated: 2026-06-18. Review status: criteria provided, single submitter. Criteria: ACMG Guidelines, 2015. Collection method: clinical testing. Allele origin: unknown. Inheritance: Autosomal dominant inheritance. Affected: yes.
Comment: The variant NM_130837.3.2095del is predicted to result in p.(Met699Ter). The transcript is predicted to undergo nonsense-mediated decay, resulting in loss of function. Loss of function is an established disease mechanism for autosomal dominant OPA1-related optic atrophy. The variant is absent from gnomAD v4.1.1 and had not been published in the literature at the time of evaluation. Based on the ACMG/AMP framework with ACGS 2024 modifications, the variant was classified as pathogenic (PVS1_VeryStrong, PM2_Moderate; 10 points).